The following is an entry in ClinVar:

NM_181426.2(CCDC39):c.1555C>A (p.His519Asn)

Gene: CCDC39 (coiled-coil domain 39 molecular ruler complex subunit; minus strand). Cytogenetic location: 3q26.33.
Variant type: single nucleotide variant.
Coding change: c.1555C>A on transcript NM_181426.2 (MANE Select); coding-DNA position 1555, C replaced by A.
Protein change: p.His519Asn; replaces histidine 519 with asparagine.
Molecular consequence: missense variant.
Genome position (GRCh38, 1-based): chr3:180,644,230, G>T on the plus strand (C>A on the coding strand, the complement: CCDC39 is on the minus strand). VCF-style: chr3-180644230-G-T. GRCh37 (hg19) VCF-style: chr3-180362018-G-T.
Other names: short protein forms H519N.
Identifiers: ClinVar variation 455011 (VCV000455011.17), dbSNP rs374289303, ClinGen allele CA2715915.
Genomic context (GRCh38, chr3:180,644,230, plus strand): 5'-AAAGGTTTAGTTCATTTATTTTGGTCATAAGGGACTGTTTTTCATCACTGTTTTTACTAT[G>T]TGCCTTCTTGATAAAATAAAGATCATTCTGCAAAAAAGAAAAAAGGTATATAAATGTATG-3'
Protein context (NP_852091.1, residues 509-529): HNDLYFIKKA[His519Asn]SKNSDEKQSL

ClinVar aggregate classification (germline): Likely benign. Review status: criteria provided, multiple submitters, no conflicts (2 of 4 stars). 4 submissions from 4 submitters: Likely benign (3). 1 of the submissions does not count toward it. Last evaluated 2025-12-07.

Conditions:
CCDC39-related disorder. Also called: CCDC39-related condition.
Primary ciliary dyskinesia. Also called: Ciliary dyskinesia. Identifiers: Orphanet 244, MedGen C0008780, MONDO:0016575, HP:0012265.

Allele frequency attached by ClinVar (database versions not stated): ESP Exome Variant Server 0.00009; gnomAD 0.00020; TOPMed 0.00024; ExAC 0.00027; gnomAD exomes 0.00028 and 0.00041.
gnomAD v4.1: 422 of 1,529,164 alleles (0.028%); highest among the groups gnomAD compares: Admixed American, 0.034%; no homozygotes.

Submissions (4):

Labcorp Genetics (formerly Invitae), Labcorp
Classification: Likely benign for Primary ciliary dyskinesia. Last evaluated: 2025-12-07. Review status: criteria provided, single submitter. Criteria: Invitae Variant Classification Sherloc (09022015). Collection method: clinical testing. Allele origin: germline.

UNC Molecular Genetics  Laboratory, University of North Carolina at Chapel Hill
Classification: Likely benign for Primary ciliary dyskinesia. Last evaluated: 2019-04-18. Review status: criteria provided, single submitter. Criteria: ACMG Guidelines, 2015. Collection method: clinical testing. Allele origin: germline. Observed: 1 heterozygote.

Ambry Genetics
Classification: Likely benign for Primary ciliary dyskinesia. Last evaluated: 2018-09-15. Review status: criteria provided, single submitter. Criteria: Ambry Variant Classification Scheme 2023. Collection method: clinical testing. Allele origin: germline.

PreventionGenetics, part of Exact Sciences
Classification: Likely benign for CCDC39-related condition. Last evaluated: 2024-03-21. Review status: no assertion criteria provided. Collection method: clinical testing. Allele origin: germline. Not counted in ClinVar's aggregate classification.
Comment: This variant is classified as likely benign based on ACMG/AMP sequence variant interpretation guidelines (Richards et al. 2015 PMID: 25741868, with internal and published modifications).